The following is an entry in ClinVar:

ClinVar aggregate classification (germline): not provided (0 of 4 stars; one submission).

Conditions:
Large for gestational age. Identifiers: MedGen C1848395, HP:0001520.

Submission:

Institute of Molecular and Cell Biology, University of Tartu
No classification provided. Condition: Large for gestational age. Review status: no classification provided. Collection method: case-control. Allele origin: unknown. Affected: yes. Study: Kasak2014.
Comment: The study aimed to determine the contribution of copy number variants in the genetic etiology of normal and complicated pregnancies. The samples represented (i) maternal blood DNA drawn from healthy pregnant women during 1st or 2nd trimester and (ii) maternal and paternal blood DNA drawn at term pregnancy cases representing normal and complicated gestations (severe preeclampsia, PE; gestational diabetes, GD; small-for-gestational age newborn, SGA; large-for-gestational age newborn, LGA). We performed CNV calling based on genome-wide genotyping dataset (Illumina HumanOmniExpress-24-v1 BeadChip) by applying three algorithms, QuantiSNP, GADA (Genome Alteration Detection Algorithm) and CNstream in parallel. The acquired CNV calls were merged with HD-CNV (Hotspot Detector for Copy Number Variants) program and only the CNVs predicted by at least two programs, were considered in subsequent analysis.

Literature cited by the submitters: PubMed 25666259.

Single allele

Gene: TPTE (transmembrane phosphatase with tensin homology; plus strand). Cytogenetic location: 21p11.2.
Variant type: Deletion.
Identifiers: ClinVar variation 157467 (VCV000157467.2).